The following is an entry in ClinVar:

ClinVar aggregate classification (germline): Uncertain significance. Review status: criteria provided, multiple submitters, no conflicts (2 of 4 stars). 2 submissions from 2 submitters: Uncertain significance (2). Last evaluated 2025-05-07.

Conditions:
Inborn genetic diseases. Identifiers: MedGen C0950123, MeSH D030342.

Allele frequency attached by ClinVar (database versions not stated): gnomAD 0.00002; TOPMed 0.00001.
gnomAD v4.1: 4 of 1,607,022 alleles (0.00025%); highest among the groups gnomAD compares: East Asian, 0.0089%; no homozygotes.

Submissions (2):

Ambry Genetics
Classification: Uncertain significance for Inborn genetic diseases. Last evaluated: 2025-05-07. Review status: criteria provided, single submitter. Criteria: Ambry Variant Classification Scheme 2023. Collection method: clinical testing. Allele origin: germline.

Labcorp Genetics (formerly Invitae), Labcorp
Classification: Uncertain significance. Last evaluated: 2024-09-30. Review status: criteria provided, single submitter. Criteria: Invitae Variant Classification Sherloc (09022015). Collection method: clinical testing. Allele origin: germline.
Comment: This sequence change replaces serine, which is neutral and polar, with threonine, which is neutral and polar, at codon 303 of the GATAD2B protein (p.Ser303Thr). This variant is present in population databases (rs746890210, gnomAD 0.02%). This variant has not been reported in the literature in individuals affected with GATAD2B-related conditions. ClinVar contains an entry for this variant (Variation ID: 2071073). Invitae Evidence Modeling of protein sequence and biophysical properties (such as structural, functional, and spatial information, amino acid conservation, physicochemical variation, residue mobility, and thermodynamic stability) indicates that this missense variant is not expected to disrupt GATAD2B protein function with a negative predictive value of 80%. In summary, the available evidence is currently insufficient to determine the role of this variant in disease. Therefore, it has been classified as a Variant of Uncertain Significance.

NM_020699.4(GATAD2B):c.908G>C (p.Ser303Thr)

Gene: GATAD2B (GATA zinc finger domain containing 2B; minus strand). Cytogenetic location: 1q21.3.
Variant type: single nucleotide variant.
Coding change: c.908G>C on transcript NM_020699.4 (MANE Select); coding-DNA position 908, G replaced by C.
Protein change: p.Ser303Thr; replaces serine 303 with threonine.
Molecular consequence: missense variant.
Genome position (GRCh38, 1-based): chr1:153,816,581, C>G on the plus strand (G>C on the coding strand, the complement: GATAD2B is on the minus strand). VCF-style: chr1-153816581-C-G. GRCh37 (hg19) VCF-style: chr1-153789057-C-G.
Other names: c.908G>C (NM_020699.2); short protein forms S303T.
Identifiers: ClinVar variation 2071073 (VCV002071073.5), dbSNP rs746890210, ClinGen allele CA1120728.
Genomic context (GRCh38, chr1:153,816,581, plus strand): 5'-TGAGAAGCAAGGTTCATATAGATGGCAGAGGATGTTGTACGCTGACATGGAACAGAAGAA[C>G]TTGACTGCTGAAATAGATTGAGAATGCGGTCAATCATGGTATGCAGGAGAAAGGGCCAAT-3'
Protein context (NP_065750.1, residues 293-313): NPAINYQPQS[Ser303Thr]SSVPCQRTTS